The following is an entry in ClinVar:

NM_000540.3(RYR1):c.11086G>C (p.Asp3696His)

Gene: RYR1 (ryanodine receptor 1; plus strand). Cytogenetic location: 19q13.2.
Variant type: single nucleotide variant.
Coding change: c.11086G>C on transcript NM_000540.3 (MANE Select); coding-DNA position 11086, G replaced by C.
Protein change: p.Asp3696His; replaces aspartic acid 3696 with histidine.
Molecular consequence: missense variant.
Genome position (GRCh38, 1-based): chr19:38,529,002, G>C. VCF-style: chr19-38529002-G-C. GRCh37 (hg19) VCF-style: chr19-39019642-G-C.
Other names: c.11071G>C, p.Asp3691His (NM_001042723.2); short protein forms D3691H, D3696H.
Identifiers: ClinVar variation 1210315 (VCV001210315.3), dbSNP rs2145724998, ClinGen allele CA405650194.
Genomic context (GRCh38, chr19:38,529,002, plus strand): 5'-TCCCACCAGAAAGCTGGGGAGCAGGAGGAGGAGGAGGAAGAGGTGGAAGAGAAGAAGCCA[G>C]ACCCCCTGCACCAGTTGGTCCTGCACTTCAGCCGCACTGCCCTGACGGAAAAGAGGTGAA-3'
Protein context (NP_000531.2, residues 3686-3706): EEEEVEEKKP[Asp3696His]PLHQLVLHFS

ClinVar aggregate classification (germline): Uncertain significance (3 of 4 stars; one submission).

Conditions:
Malignant hyperthermia, susceptibility to, 1 (MHS1). Also called: RYR1-Related Malignant Hyperthermia Susceptibility; Anesthesia related hyperthermia; Malignant hyperpyrexia; Fulminating hyperpyrexia; Pharmacogenic myopathy; Malignant hyperthermia suceptibility 1. Identifiers: Orphanet 423, MedGen C2930980, MONDO:0007783, OMIM 145600.

Submission:

ClinGen Malignant Hyperthermia Susceptibility Variant Curation Expert Panel, ClinGen
Classification: Uncertain significance for Malignant hyperthermia, susceptibility to, 1. Last evaluated: 2025-08-01. Review status: reviewed by expert panel. Criteria: ClinGen MHS ACMG Specifications V2. Collection method: curation. Allele origin: germline. Inheritance: Autosomal dominant inheritance.
Comment: This pathogenicity assessment is relevant only for malignant hyperthermia susceptibility (MHS) inherited in an autosomal dominant pattern. Variants in RYR1 can also cause other myopathies inherited in an autosomal dominant pattern or in an autosomal recessive pattern. Some of these disorders may predispose individuals to malignant hyperthermia. RYR1 variants may also contribute to a malignant hyperthermia reaction in combination with other genetic and non-genetic factors and the clinician needs to consider such factors in making management decisions. This sequence variant predicts a substitution of aspartic acid with histidine at codon 3696 of the RYR1 protein, p.(Asp3696His). This variant was not present in a large population database (gnomAD) at the time this variant was interpreted. This variant has been reported in an individual with a personal or family history of an MH episode and a positive in vitro contracture test (IVCT) or caffeine halothane contracture test (CHCT) result (if the proband was unavailable for testing, a positive diagnostic test result in a mutation-positive relative was counted), PS4_Supporting (PMID:30236257). No functional studies were identified for this variant. This variant does not reside in a hotspot for pathogenic variants that contribute to MHS. A REVEL score of 0.809 supports neither a pathogenic nor a benign status for this variant. This variant has been classified as a Variant of Unknown Significance. Criteria implemented: PS4_Supporting.